The following is an entry in ClinVar:

NM_002087.4(GRN):c.352AAC[1] (p.Asn119del)

Gene: GRN (granulin precursor; plus strand). Cytogenetic location: 17q21.31.
Variant type: Microsatellite.
Coding change: c.352AAC[1] on transcript NM_002087.4 (MANE Select); one copy of the 3-base unit AAC starting at c.352; the reference has two copies in a row; one copy, 3 bases deleted; also written c.355_357del.
Protein change: p.Asn119del; deletes asparagine 119.
Molecular consequence: inframe deletion.
Genome position (GRCh38, 1-based): chr17:44,350,233-44,350,235, AAC deleted; deleting any 3 consecutive bases within chr17:44,350,230-44,350,235 gives the same sequence; the position shown is the placement nearest the transcript's 3' end. VCF-style (leftmost placement, unchanged base first): chr17-44350229-TAAC-T. GRCh37 (hg19) VCF-style: chr17-42427597-TAAC-T.
Other names: c.355_357del (NM_002087.4); short protein forms N119del.
Identifiers: ClinVar variation 1412923 (VCV001412923.9), dbSNP rs758168578, ClinGen allele CA8601862.

ClinVar aggregate classification (germline): Uncertain significance. Review status: criteria provided, multiple submitters, no conflicts (2 of 4 stars). 3 submissions from 3 submitters: Uncertain significance (3). Last evaluated 2025-05-13.

Conditions:
Frontotemporal dementia and/or amyotrophic lateral sclerosis 3. Also called: FTDALS3. Identifiers: Orphanet 275864, Orphanet 275872, Orphanet 803, MedGen C4225326, MONDO:0014640, OMIM 616437.
Neuronal ceroid lipofuscinosis 11. Also called: GRN-Related Neuronal Ceroid-Lipofuscinosis. Identifiers: Orphanet 314629, Orphanet 79262, MedGen C3539123, MONDO:0013866, OMIM 614706.
GRN-related frontotemporal lobar degeneration with Tdp43 inclusions (FTD2). Also called: DEMENTIA, HEREDITARY DYSPHASIC DISINHIBITION; FRONTOTEMPORAL LOBAR DEGENERATION WITH UBIQUITIN-POSITIVE INCLUSIONS; FTLD-TDP, GRN-RELATED; GRN Frontotemporal Dementia; FRONTOTEMPORAL DEMENTIA WITH TDP43 INCLUSIONS, GRN-RELATED. Identifiers: Orphanet 100070, Orphanet 282, MedGen C1843792, MONDO:0011842, OMIM 607485. Disease mechanism: loss of function.

Submissions (3):

Labcorp Genetics (formerly Invitae), Labcorp
Classification: Uncertain significance for Neuronal ceroid lipofuscinosis 11; GRN-related frontotemporal lobar degeneration with Tdp43 inclusions. Last evaluated: 2025-05-13. Review status: criteria provided, single submitter. Criteria: Invitae Variant Classification Sherloc (09022015). Collection method: clinical testing. Allele origin: germline.
Comment: This variant, c.355_357del, results in the deletion of 1 amino acid(s) of the GRN protein (p.Asn119del), but otherwise preserves the integrity of the reading frame. The frequency data for this variant in the population databases is considered unreliable, as metrics indicate poor data quality at this position in the gnomAD database. This variant has been observed in individual(s) with clinical features of GRN-related conditions and in unaffected control subjects (PMID: 20020531, 29339765, 31217084, 34162492). This variant is also known as c.352_354delAAC (p.N118del). Experimental studies and prediction algorithms are not available or were not evaluated, and the functional significance of this variant is currently unknown. In summary, the available evidence is currently insufficient to determine the role of this variant in disease. Therefore, it has been classified as a Variant of Uncertain Significance.

MGZ Medical Genetics Center
Classification: Uncertain significance for Frontotemporal dementia and/or amyotrophic lateral sclerosis 3. Last evaluated: 2022-09-01. Review status: criteria provided, single submitter. Criteria: ACMG Guidelines, 2015. Collection method: clinical testing. Allele origin: germline. Affected: yes. Observed: 1 variant allele.
Comment: ACMG criteria applied: PM2_SUP

Fulgent Genetics
Classification: Uncertain significance for GRN-related frontotemporal lobar degeneration with Tdp43 inclusions; Neuronal ceroid lipofuscinosis 11. Last evaluated: 2021-11-08. Review status: criteria provided, single submitter. Criteria: ACMG Guidelines, 2015. Collection method: clinical testing. Allele origin: unknown.

Literature cited by the submitters: PubMed 20020531 (cited by Labcorp Genetics (formerly Invitae), Labcorp); PubMed 29339765 (cited by Labcorp Genetics (formerly Invitae), Labcorp); PubMed 31217084 (cited by Labcorp Genetics (formerly Invitae), Labcorp); PubMed 34162492 (cited by Labcorp Genetics (formerly Invitae), Labcorp).